The following is an entry in ClinVar:

NM_002448.3(MSX1):c.251_252del (p.Glu84fs)

Genes: MSX1 (msh homeobox 1; plus strand), LOC129992137 (ATAC-STARR-seq lymphoblastoid silent region 15219; plus strand). Cytogenetic location: 4p16.2.
Variant type: Deletion.
Coding change: c.251_252del on transcript NM_002448.3 (MANE Select); coding-DNA positions 251 to 252, 2 bases deleted (AG; older notation c.251_252delAG).
Protein change: p.Glu84fs; shifts the reading frame from glutamic acid 84.
Molecular consequence: frameshift variant.
Genome position (GRCh38, 1-based): chr4:4,860,150-4,860,151, AG deleted; deleting any 2 consecutive bases within chr4:4,860,149-4,860,151 gives the same sequence; the c. name uses the placement nearest the transcript's 3' end. VCF-style (leftmost placement, unchanged base first): chr4-4860148-CGA-C. GRCh37 (hg19) VCF-style: chr4-4861875-CGA-C.
Other names: short protein forms E84fs.
Identifiers: ClinVar variation 4884508 (VCV004884508.1).

ClinVar aggregate classification (germline): Pathogenic (1 of 4 stars; one submission).

Conditions:
Ectodermal dysplasia. Also called: Ectodermal dysplasia syndrome. Identifiers: Orphanet 79373, MedGen C0013575, MONDO:0019287, HP:0000968.

Submission:

Genetics Laboratory, Great Ormond Street Hospital NHS Foundation Trust, North Thames Genomic Laboratory Hub
Classification: Pathogenic for Ectodermal dysplasia. Last evaluated: 2026-06-14. Review status: criteria provided, single submitter. Criteria: ACGS Best Practice Guidelines for Variant Classification in Rare Disease 2024 v1.2. Collection method: clinical testing. Allele origin: germline. Affected: yes.
Comment: PM2_moderate, PVS1_very-strong